The following is an entry in ClinVar:

ClinVar aggregate classification (germline): Uncertain significance (1 of 4 stars; one submission).

Conditions:
Inherited breast cancer and ovarian cancer.

Submission:

Cambridge Genomics Laboratory, East Genomic Laboratory Hub, NHS Genomic Medicine Service
Classification: Uncertain significance for Inherited breast cancer and ovarian cancer. Last evaluated: 2026-07-21. Review status: criteria provided, single submitter. Criteria: ACGS Best Practice Guidelines for Variant Classification in Rare Disease 2020. Collection method: clinical testing. Allele origin: germline. Affected: yes.
Comment: PS1_Moderate,PM2,PP3

NM_000059.4(BRCA2):c.1909G>A (p.Gly637Ser)

Gene: BRCA2 (BRCA2 DNA repair associated; plus strand). Cytogenetic location: 13q13.1.
Variant type: single nucleotide variant.
Coding change: c.1909G>A on transcript NM_000059.4 (MANE Select); coding-DNA position 1909, G replaced by A.
Protein change: p.Gly637Ser; replaces glycine 637 with serine.
Molecular consequence: missense variant. On other transcripts: non-coding transcript variant (1), intron variant (1).
Genome position (GRCh38, 1-based): chr13:32,333,387, G>A. VCF-style: chr13-32333387-G-A. GRCh37 (hg19) VCF-style: chr13-32907524-G-A.
Other names: c.1909G>A, p.Gly637Ser (NM_001406719.1, NM_001406720.1, NM_001432077.1); c.1909G>A, p.Gly637Arg (NM_001406721.1); c.424+2357G>A (NM_001406722.1); short protein forms G637R, G637S.
Identifiers: ClinVar variation 4876247 (VCV004876247.1).
Genomic context (GRCh38, chr13:32,333,387, plus strand): 5'-TCAGCCCAGTTTGAAGCAAATGCTTTTGAAGCACCACTTACATTTGCAAATGCTGATTCA[G>A]GTACCTCTGTCTTTTTTTTTTTGTAAATAGTACATATAGTTTTATAGATGACGATTCCTT-3'
Protein context (NP_000050.3, residues 627-647): APLTFANADS[Gly637Ser]LLHSSVKRSC